The following is an entry in ClinVar:

ClinVar aggregate classification (germline): Pathogenic (1 of 4 stars; one submission).

Conditions:
Duchenne muscular dystrophy (DMD). Also called: Duchenne Muscular Dystrophy (DMD); MUSCULAR DYSTROPHY, PSEUDOHYPERTROPHIC PROGRESSIVE, DUCHENNE TYPE. Identifiers: Orphanet 98896, MedGen C0013264, MONDO:0010679, OMIM 310200.

Submission:

Labcorp Genetics (formerly Invitae), Labcorp
Classification: Pathogenic for Duchenne muscular dystrophy. Last evaluated: 2022-06-29. Review status: criteria provided, single submitter. Criteria: Invitae Variant Classification Sherloc (09022015). Collection method: clinical testing. Allele origin: germline.
Comment: This variant is a gross deletion of the genomic region encompassing exon(s) 26-27 of the DMD gene. This variant would be expected to be in-frame, preserving the integrity of the reading frame. This variant has not been reported in the literature in individuals affected with DMD-related conditions. This variant disrupts a region of the DMD protein in which other variant(s) (deletion of exon 27) have been determined to be pathogenic (PMID: 20036901, 21896784, 27593222). This suggests that this is a clinically significant region of the protein, and that variants that disrupt it are likely to be disease-causing. For these reasons, this variant has been classified as Pathogenic.

Literature cited by the submitters: PubMed 20036901; PubMed 21896784; PubMed 27593222.

NC_000023.10:g.(?_32466553)_(32472969_?)del

Gene: DMD (dystrophin; minus strand). Cytogenetic location: Xp21.1.
Variant type: Deletion.
Identifiers: ClinVar variation 2424829 (VCV002424829.4).